The following is an entry in ClinVar:

NM_144997.7(FLCN):c.1305T>G (p.Phe435Leu)

Gene: FLCN (folliculin; minus strand). Cytogenetic location: 17p11.2.
Variant type: single nucleotide variant.
Coding change: c.1305T>G on transcript NM_144997.7 (MANE Select); coding-DNA position 1305, T replaced by G.
Protein change: p.Phe435Leu; replaces phenylalanine 435 with leucine.
Molecular consequence: missense variant.
Genome position (GRCh38, 1-based): chr17:17,215,312, A>C on the plus strand (T>G on the coding strand, the complement: FLCN is on the minus strand). VCF-style: chr17-17215312-A-C. GRCh37 (hg19) VCF-style: chr17-17118626-A-C.
Other names: c.1359T>G, p.Phe453Leu (NM_001353229.2); c.1305T>G, p.Phe435Leu (NM_001353230.2, NM_001353231.2); short protein forms F435L, F453L.
Identifiers: ClinVar variation 4736784 (VCV004736784.1).

ClinVar aggregate classification (germline): Uncertain significance (1 of 4 stars; one submission).

Conditions:
Birt-Hogg-Dube syndrome. Also called: Birt Hogg Dubé syndrome. Identifiers: Orphanet 122, MedGen C0346010, MONDO:0800444.

Submission:

Labcorp Genetics (formerly Invitae), Labcorp
Classification: Uncertain significance for Birt-Hogg-Dube syndrome. Last evaluated: 2025-06-24. Review status: criteria provided, single submitter. Criteria: Invitae Variant Classification Sherloc (09022015). Collection method: clinical testing. Allele origin: germline.
Comment: This sequence change replaces phenylalanine, which is neutral and non-polar, with leucine, which is neutral and non-polar, at codon 435 of the FLCN protein (p.Phe435Leu). This variant is not present in population databases (gnomAD no frequency). This variant has not been reported in the literature in individuals affected with FLCN-related conditions. Invitae Evidence Modeling of protein sequence and biophysical properties (such as structural, functional, and spatial information, amino acid conservation, physicochemical variation, residue mobility, and thermodynamic stability) indicates that this missense variant is not expected to disrupt FLCN protein function with a negative predictive value of 80%. In summary, the available evidence is currently insufficient to determine the role of this variant in disease. Therefore, it has been classified as a Variant of Uncertain Significance.